The following is an entry in ClinVar:

ClinVar aggregate classification (germline): Uncertain significance. Review status: criteria provided, multiple submitters, no conflicts (2 of 4 stars). 4 submissions from 4 submitters: Uncertain significance (3). 1 of the submissions does not count toward it. Last evaluated 2025-08-21.

Conditions:
Inborn genetic diseases. Identifiers: MedGen C0950123, MeSH D030342.
Nemaline myopathy 2 (NEM2). Also called: Nemaline myopathy 2, autosomal recessive. Identifiers: MedGen C1850569, MONDO:0009725, OMIM 256030.

Allele frequency attached by ClinVar (database versions not stated): gnomAD 0.00003 and 0.00002; 1000 Genomes Project 30x 0.00031; TOPMed 0.00002; 1000 Genomes Project 0.00020; gnomAD exomes 0.00001.
gnomAD v4.1: 11 of 1,613,782 alleles (0.00068%); highest among the groups gnomAD compares: Admixed American, 0.018%; no homozygotes.

Submissions (4):

Ambry Genetics
Classification: Uncertain significance for Inborn genetic diseases. Last evaluated: 2025-08-21. Review status: criteria provided, single submitter. Criteria: Ambry Variant Classification Scheme 2023. Collection method: clinical testing. Allele origin: germline.

GeneDx
Classification: Uncertain significance. Last evaluated: 2025-05-15. Review status: criteria provided, single submitter. Criteria: GeneDx Variant Classification Process June 2021. Collection method: clinical testing. Allele origin: germline. Affected: yes.
Comment: Not observed at significant frequency in large population cohorts (gnomAD); In silico analysis supports that this missense variant has a deleterious effect on protein structure/function; Has not been previously published as pathogenic or benign to our knowledge

Labcorp Genetics (formerly Invitae), Labcorp
Classification: Uncertain significance for Nemaline myopathy 2. Last evaluated: 2022-06-20. Review status: criteria provided, single submitter. Criteria: Invitae Variant Classification Sherloc (09022015). Collection method: clinical testing. Allele origin: germline.
Comment: This sequence change replaces threonine, which is neutral and polar, with isoleucine, which is neutral and non-polar, at codon 1726 of the NEB protein (p.Thr1726Ile). This variant is not present in population databases (gnomAD no frequency). This variant has not been reported in the literature in individuals affected with NEB-related conditions. ClinVar contains an entry for this variant (Variation ID: 854995). Algorithms developed to predict the effect of missense changes on protein structure and function are either unavailable or do not agree on the potential impact of this missense change (SIFT: "Deleterious"; PolyPhen-2: "Not Available"; Align-GVGD: "Class C0"). In summary, the available evidence is currently insufficient to determine the role of this variant in disease. Therefore, it has been classified as a Variant of Uncertain Significance.

Natera, Inc.
Classification: Uncertain significance for Nemaline myopathy type 2. Last evaluated: 2020-09-16. Review status: no assertion criteria provided. Collection method: clinical testing. Allele origin: germline. Not counted in ClinVar's aggregate classification.

NM_001164508.2(NEB):c.5177C>T (p.Thr1726Ile)

Gene: NEB (nebulin; minus strand). Cytogenetic location: 2q23.3.
Variant type: single nucleotide variant.
Coding change: c.5177C>T on transcript NM_001164508.2 (MANE Select); coding-DNA position 5177, C replaced by T.
Protein change: p.Thr1726Ile; replaces threonine 1726 with isoleucine.
Molecular consequence: missense variant.
Genome position (GRCh38, 1-based): chr2:151,665,394, G>A on the plus strand (C>T on the coding strand, the complement: NEB is on the minus strand). VCF-style: chr2-151665394-G-A. GRCh37 (hg19) VCF-style: chr2-152521908-G-A.
Other names: c.5177C>T, p.Thr1726Ile (NM_001164507.2, NM_001271208.2, NM_004543.5); c.5177C>T (NM_004543.4); short protein forms T1726I.
Identifiers: ClinVar variation 854995 (VCV000854995.10), dbSNP rs552140238, ClinGen allele CA57645164.
Genomic context (GRCh38, chr2:151,665,394, plus strand): 5'-TTGTCCATGTTCAGTTTGTTACTCTTGTTAAGTGCCTGTTCCATTGTGTCCATGGCGTAA[G>A]TGAACTTCAGCTTCTCGGGGTGCTGGCGATACTTCTTCTCACTAAGAATCTCTCCTGCTT-3'
Protein context (NP_001157980.2, residues 1716-1736): YRQHPEKLKF[Thr1726Ile]YAMDTMEQAL